The following is an entry in ClinVar:

NM_004836.7(EIF2AK3):c.2707C>T (p.Arg903Ter)

Genes: EIF2AK3-AS1 (EIF2AK3 antisense RNA 1; plus strand), EIF2AK3 (eukaryotic translation initiation factor 2 alpha kinase 3; minus strand). Cytogenetic location: 2p11.2.
Variant type: single nucleotide variant.
Coding change: c.2707C>T on transcript NM_004836.7 (MANE Select); coding-DNA position 2707, C replaced by T.
Protein change: p.Arg903Ter; replaces arginine 903 with a stop codon.
Molecular consequence: nonsense. On other transcripts: non-coding transcript variant (1).
Genome position (GRCh38, 1-based): chr2:88,574,776, G>A on the plus strand (C>T on the coding strand, the complement: EIF2AK3 is on the minus strand). VCF-style: chr2-88574776-G-A. GRCh37 (hg19) VCF-style: chr2-88874294-G-A.
Other names: c.2254C>T, p.Arg752Ter (NM_001313915.2); short protein forms R752*, R903*.
Identifiers: ClinVar variation 807600 (VCV000807600.9), dbSNP rs1178109063, ClinGen allele CA347589607.

ClinVar aggregate classification (germline): Pathogenic. Review status: criteria provided, multiple submitters, no conflicts (2 of 4 stars). 4 submissions from 4 submitters: Pathogenic (4). Last evaluated 2024-06-06.

Conditions:
Wolcott-Rallison dysplasia. Also called: Wolcott-Rallison syndrome; MED-IDDM SYNDROME. Identifiers: Orphanet 1667, MedGen C0432217, MONDO:0009192, OMIM 226980.

Allele frequency attached by ClinVar (database versions not stated): gnomAD exomes below 0.00001 and 0.00001.
gnomAD v4.1: 4 of 1,614,152 alleles (0.00025%); highest among the groups gnomAD compares: Non-Finnish European, 0.00025%; no homozygotes.

Submissions (4):

Fulgent Genetics
Classification: Pathogenic for Wolcott-Rallison dysplasia. Last evaluated: 2024-06-06. Review status: criteria provided, single submitter. Criteria: ACMG Guidelines, 2015. Collection method: clinical testing. Allele origin: germline.

Labcorp Genetics (formerly Invitae), Labcorp
Classification: Pathogenic. Last evaluated: 2024-03-29. Review status: criteria provided, single submitter. Criteria: Invitae Variant Classification Sherloc (09022015). Collection method: clinical testing. Allele origin: germline.
Comment: This sequence change creates a premature translational stop signal (p.Arg903*) in the EIF2AK3 gene. It is expected to result in an absent or disrupted protein product. Loss-of-function variants in EIF2AK3 are known to be pathogenic (PMID: 11997520). This variant is present in population databases (no rsID available, gnomAD 0.004%). This premature translational stop signal has been observed in individual(s) with Wolcott-Rallison syndrome (PMID: 19837917, 31183082). This variant is also known as R902X and Arg902Ter. ClinVar contains an entry for this variant (Variation ID: 807600). For these reasons, this variant has been classified as Pathogenic.

Baylor Genetics
Classification: Pathogenic for Wolcott-Rallison dysplasia. Last evaluated: 2023-09-12. Review status: criteria provided, single submitter. Criteria: ACMG Guidelines, 2015. Collection method: clinical testing. Allele origin: unknown.

Institute of Human Genetics Munich, TUM University Hospital
Classification: Pathogenic for Wolcott-Rallison dysplasia. Last evaluated: 2018-01-10. Review status: criteria provided, single submitter. Criteria: Classification criteria August 2017. Collection method: clinical testing. Allele origin: germline. Inheritance: Autosomal recessive inheritance. Affected: yes. Observed: 1 homozygote.

Literature cited by the submitters: PubMed 11997520 (cited by Labcorp Genetics (formerly Invitae), Labcorp); PubMed 19837917 (cited by Labcorp Genetics (formerly Invitae), Labcorp); PubMed 31183082 (cited by Labcorp Genetics (formerly Invitae), Labcorp).